The following is an entry in ClinVar:

NM_000051.4(ATM):c.2603A>G (p.Asp868Gly)

Gene: ATM (ATM serine/threonine kinase; plus strand). Cytogenetic location: 11q22.3.
Variant type: single nucleotide variant.
Coding change: c.2603A>G on transcript NM_000051.4 (MANE Select); coding-DNA position 2603, A replaced by G.
Protein change: p.Asp868Gly; replaces aspartic acid 868 with glycine.
Molecular consequence: missense variant.
Genome position (GRCh38, 1-based): chr11:108,267,307, A>G. VCF-style: chr11-108267307-A-G. GRCh37 (hg19) VCF-style: chr11-108138034-A-G.
Other names: c.2603A>G, p.Asp868Gly (NM_001351834.2); short protein forms D868G.
Identifiers: ClinVar variation 524375 (VCV000524375.18), dbSNP rs750322758, ClinGen allele CA6265065.
Genomic context (GRCh38, chr11:108,267,307, plus strand): 5'-AGGTGGAGGATCAGTCATCCATGAATCTATTTAACGATTACCCTGATAGTAGTGTTAGTG[A>G]TGCAAACGAACCTGGAGAGAGCCAAAGTACCATAGGTAAATACATATTTACTACTTGGGA-3'
Protein context (NP_000042.3, residues 858-878): FNDYPDSSVS[Asp868Gly]ANEPGESQST

ClinVar aggregate classification (germline): Uncertain significance. Review status: criteria provided, multiple submitters, no conflicts (2 of 4 stars). 5 submissions from 5 submitters: Uncertain significance (5). Last evaluated 2025-05-01.

Conditions:
Familial cancer of breast. Also called: hereditary breast carcinoma; BREAST CANCER, FAMILIAL; Hereditary breast cancer. Identifiers: Orphanet 227535, MedGen C0346153, MONDO:0016419, OMIM 114480. Disease mechanism: loss of function.
Hereditary cancer-predisposing syndrome. Also called: Neoplastic Syndromes, Hereditary; Tumor predisposition; Hereditary Cancer Syndrome; Hereditary neoplastic syndrome. Identifiers: Orphanet 140162, MedGen C0027672, MeSH D009386, MONDO:0015356.
Ataxia-telangiectasia syndrome (AT). Also called: ATAXIA-TELANGIECTASIA, COMPLEMENTATION GROUP A; ATAXIA-TELANGIECTASIA, FRESNO VARIANT; Ataxia-telangiectasia; Ataxia-telangiectasia, complementation group D; AT, COMPLEMENTATION GROUP C; Ataxia-telangiectasia, complementation group E. Identifiers: Orphanet 100, MedGen C0004135, MONDO:0008840, OMIM 208900.

Allele frequency attached by ClinVar (database versions not stated): gnomAD 0.00003; gnomAD exomes 0.00003 and 0.00006; ExAC 0.00005.
gnomAD v4.1: 51 of 1,614,000 alleles (0.0032%); highest among the groups gnomAD compares: Non-Finnish European, 0.00042%; no homozygotes.

Submissions (5):

Molecular Pathology, Peter Maccallum Cancer Centre
Classification: Uncertain significance for Ataxia-telangiectasia syndrome. Last evaluated: 2025-05-01. Review status: criteria provided, single submitter. Criteria: ACMG Guidelines, 2015. Collection method: clinical testing. Allele origin: germline. Inheritance: Autosomal recessive inheritance.

Labcorp Genetics (formerly Invitae), Labcorp
Classification: Uncertain significance for Ataxia-telangiectasia syndrome. Last evaluated: 2024-09-23. Review status: criteria provided, single submitter. Criteria: Invitae Variant Classification Sherloc (09022015). Collection method: clinical testing. Allele origin: germline.
Comment: This sequence change replaces aspartic acid, which is acidic and polar, with glycine, which is neutral and non-polar, at codon 868 of the ATM protein (p.Asp868Gly). This variant is present in population databases (rs750322758, gnomAD 0.05%). This missense change has been observed in individual(s) with an unspecified cancer (PMID: 28873162). ClinVar contains an entry for this variant (Variation ID: 524375). An algorithm developed to predict the effect of missense changes on protein structure and function (PolyPhen-2) suggests that this variant¬†is likely to be tolerated. In summary, the available evidence is currently insufficient to determine the role of this variant in disease. Therefore, it has been classified as a Variant of Uncertain Significance.

Baylor Genetics
Classification: Uncertain significance for Familial cancer of breast. Last evaluated: 2023-12-15. Review status: criteria provided, single submitter. Criteria: ACMG Guidelines, 2015. Collection method: clinical testing. Allele origin: unknown.

Ambry Genetics
Classification: Uncertain significance for Hereditary cancer-predisposing syndrome. Last evaluated: 2023-12-04. Review status: criteria provided, single submitter. Criteria: Ambry Variant Classification Scheme 2023. Collection method: clinical testing. Allele origin: germline.
Comment: The p.D868G variant (also known as c.2603A>G), located in coding exon 16 of the ATM gene, results from an A to G substitution at nucleotide position 2603. The aspartic acid at codon 868 is replaced by glycine, an amino acid with similar properties. This amino acid position is well conserved in available vertebrate species. In addition, the in silico prediction for this alteration is inconclusive. Since supporting evidence is limited at this time, the clinical significance of this alteration remains unclear.

Color Diagnostics, LLC DBA Color Health
Classification: Uncertain significance for Hereditary cancer-predisposing syndrome. Last evaluated: 2023-05-11. Review status: criteria provided, single submitter. Criteria: ACMG Guidelines, 2015. Collection method: clinical testing. Allele origin: germline.
Comment: This missense variant replaces aspartic acid with glycine at codon 868 of the ATM protein. Computational prediction suggests that this variant may not impact protein structure and function (internally defined REVEL score threshold <= 0.5, PMID: 27666373). To our knowledge, functional studies have not been reported for this variant. This variant has been reported in an individual affected with advanced cancer (PMID: 28873162). This variant has been identified in 14/251436 chromosomes in the general population by the Genome Aggregation Database (gnomAD). The available evidence is insufficient to determine the role of this variant in disease conclusively. Therefore, this variant is classified as a Variant of Uncertain Significance.

Literature cited by the submitters: PubMed 28873162 (cited by Labcorp Genetics (formerly Invitae), Labcorp and Color Diagnostics, LLC DBA Color Health).